The following is an entry in ClinVar:

ClinVar aggregate classification (germline): Pathogenic (1 of 4 stars; one submission).

Conditions:
Ehlers-Danlos syndrome, kyphoscoliotic type, 2. Also called: Ehlers-Danlos syndrome with progressive kyphoscoliosis, myopathy, and hearing loss; Ehlers-Danlos syndrome, kyphoscoliotic and deafness type; FKBP14-Kyphoscoliotic Ehlers-Danlos Syndrome. Identifiers: Orphanet 300179, MedGen C3281160, MONDO:0013800, OMIM 614557.

Submission:

Labcorp Genetics (formerly Invitae), Labcorp
Classification: Pathogenic for Ehlers-Danlos syndrome, kyphoscoliotic type, 2. Last evaluated: 2025-07-09. Review status: criteria provided, single submitter. Criteria: Invitae Variant Classification Sherloc (09022015). Collection method: clinical testing. Allele origin: germline.
Comment: This sequence change creates a premature translational stop signal (p.Glu122*) in the FKBP14 gene. It is expected to result in an absent or disrupted protein product. Loss-of-function variants in FKBP14 are known to be pathogenic (PMID: 22265013). This variant is not present in population databases (gnomAD no frequency). This variant has not been reported in the literature in individuals affected with FKBP14-related conditions. For these reasons, this variant has been classified as Pathogenic.

Literature cited by the submitters: PubMed 22265013.

NM_017946.4(FKBP14):c.364G>T (p.Glu122Ter)

Genes: FKBP14 (FKBP prolyl isomerase 14; minus strand), FKBP14-AS1 (FKBP14 antisense RNA 1; plus strand). Cytogenetic location: 7p14.3.
Variant type: single nucleotide variant.
Coding change: c.364G>T on transcript NM_017946.4 (MANE Select); coding-DNA position 364, G replaced by T.
Protein change: p.Glu122Ter; replaces glutamic acid 122 with a stop codon.
Molecular consequence: nonsense. On other transcripts: non-coding transcript variant (2).
Genome position (GRCh38, 1-based): chr7:30,019,109, C>A on the plus strand (G>T on the coding strand, the complement: FKBP14 is on the minus strand). VCF-style: chr7-30019109-C-A. GRCh37 (hg19) VCF-style: chr7-30058725-C-A.
Other names: short protein forms E122*.
Identifiers: ClinVar variation 4722553 (VCV004722553.1).
Genomic context (GRCh38, chr7:30,019,109, plus strand): 5'-CATGGGATCTTGGTCCATTTCGAATCTCCAGGAGATCAATATTAAATATCAGTGTACTTT[C>A]TGGGGGAATTTTACCTGACGTGAGGAAAGAAGGCAGAAAGTTTTAAAAGAGCCAAAAGTT-3'